The following is an entry in ClinVar:

ClinVar aggregate classification (germline): Pathogenic. Review status: criteria provided, multiple submitters, no conflicts (2 of 4 stars). 9 submissions from 8 submitters: Pathogenic (6). 3 of the submissions do not count toward it. Last evaluated 2025-03-04.

Conditions:
Thyroid hormone resistance, generalized, autosomal recessive (GRTHR). Also called: REFETOFF SYNDROME. Identifiers: MedGen C3489796, MONDO:0010131, OMIM 274300.
Thyroid hormone resistance, generalized, autosomal dominant (GRTHD). Also called: HYPERTHYROXINEMIA, FAMILIAL EUTHYROID, SECONDARY TO PITUITARY AND PERIPHERAL RESISTANCE TO THYROID HORMONES. Identifiers: MedGen C2937288, MONDO:0008569, OMIM 188570.
Selective pituitary resistance to thyroid hormone. Also called: HYPERTHYROIDISM, FAMILIAL, DUE TO INAPPROPRIATE THYROTROPIN SECRETION. Identifiers: MedGen C1840364, MONDO:0007784, OMIM 145650.
THRB-related disorder. Also called: THRB-related condition.

Allele frequency attached by ClinVar (database versions not stated): gnomAD exomes below 0.00001.
gnomAD v4.1: 1 of 1,614,142 alleles (0.000062%); no homozygotes.

Submissions (9):

Center for Genomic Medicine, Rigshospitalet, Copenhagen University Hospital
Classification: Pathogenic. Last evaluated: 2025-03-04. Review status: criteria provided, single submitter. Criteria: ACMG Guidelines, 2015. Collection method: clinical testing. Allele origin: germline.

Quest Diagnostics Nichols Institute San Juan Capistrano
Classification: Pathogenic. Last evaluated: 2023-02-20. Review status: criteria provided, single submitter. Criteria: Quest Diagnostics criteria. Collection method: clinical testing. Allele origin: unknown.
Comment: In the published literature, the variant has been reported in individuals affected with selective pituitary resistance to thyroid hormone (PRTH) (PMIDs: 8514853 (1993), 8384535 (1993), 8889584 (1996), 8040303 (1994), 11518118 (2001), 16804041 (2006), 25040256 (2014), 26041374 (2015), and 30430796 (2018)). This variant is located within a hotspot in the hormone-binding domain of THRB and results in significant reduction of its T3-binding activity (PMIDs: 8674808 (1995), 8384535 (1993), 25040256 (2014), and 24174637 (2014)). Analysis of this variant using bioinformatics tools for the prediction of the effect of amino acid changes on protein structure and function yielded predictions that this variant is damaging.

Blueprint Genetics
Classification: Pathogenic for THRB-related disorders. Last evaluated: 2022-06-30. Review status: criteria provided, single submitter. Criteria: ACMG Guidelines, 2015. Collection method: clinical testing. Allele origin: germline. Affected: yes. Observed: 3 variant alleles.

Women's Health and Genetics/Laboratory Corporation of America, LabCorp
Classification: Pathogenic for Thyroid hormone resistance, generalized, autosomal dominant. Last evaluated: 2022-05-25. Review status: criteria provided, single submitter. Criteria: LabCorp Variant Classification Summary - May 2015. Collection method: clinical testing. Allele origin: germline.
Comment: Variant summary: THRB c.1012C>T (p.Arg338Trp) results in a non-conservative amino acid change located in the Nuclear hormone receptor, ligand-binding domain (IPR000536) of the encoded protein sequence. Five of five in-silico tools predict a damaging effect of the variant on protein function. The variant was absent in 251472 control chromosomes (gnomAD). c.1012C>T has been reported in the literature in multiple individuals affected with Thyroid Hormone Resistance and was shown to segregate with disease within families (e.g. Weiss_1993, Alberobello_2011, Macchia_2014, Arsov_2019). These data indicate that the variant is very likely to be associated with disease. Experimental evidence demonstrated the variant affects protein function (Sasaki_1995, Ando_1996, Wan_2005). Two ClinVar submitters (evaluation after 2014) cite the variant as pathogenic. Based on the evidence outlined above, the variant was classified as pathogenic.

Provincial Medical Genetics Program of British Columbia, University of British Columbia
Classification: Pathogenic for Thyroid hormone resistance, generalized, autosomal dominant. Last evaluated: 2022-01-01. Review status: criteria provided, single submitter. Criteria: ACMG Guidelines, 2015. Collection method: clinical testing. Allele origin: de novo. Affected: yes.

Juno Genomics, Hangzhou Juno Genomics, Inc
Classification: Pathogenic for Thyroid hormone resistance, generalized, autosomal dominant; Thyroid hormone resistance, generalized, autosomal recessive; Selective pituitary resistance to thyroid hormone. Review status: criteria provided, single submitter. Criteria: ACMG Guidelines, 2015. Collection method: clinical testing. Allele origin: germline. Affected: yes.
Comment: The prevalence of the variant in affected individuals is significantly increased compared to the prevalence in controls.;Co-segregation with disease in multiple affected family members in a gene definitively known to cause the disease.;Absent from controls (or at extremely low frequency if recessive) in Genome Aggregation Database, Exome Sequencing Project, 1000 Genomes Project, or Exome Aggregation Consortium.;Well-established in vitro or in vivo functional studies supportive of a damaging effect on the gene or gene product.;Multiple lines of computational evidence support a deleterious effect on the gene or gene product (conservation, evolutionary, splicing impact, etc).

Clinical Molecular Genetics Laboratory, Johns Hopkins All Children's Hospital
Classification: Pathogenic for Thyroid hormone resistance, generalized, autosomal dominant. Last evaluated: 2013-06-25. Review status: no assertion criteria provided. Collection method: clinical testing. Allele origin: germline. Affected: yes. Not counted in ClinVar's aggregate classification.

OMIM
Classification: Pathogenic for THYROID HORMONE RESISTANCE, GENERALIZED, AUTOSOMAL DOMINANT. Last evaluated: 2006-09-01. Review status: no assertion criteria provided. Collection method: literature only. Allele origin: unknown. Not counted in ClinVar's aggregate classification.

OMIM
Classification: Pathogenic for THYROID HORMONE RESISTANCE, SELECTIVE PITUITARY. Last evaluated: 2006-09-01. Review status: no assertion criteria provided. Collection method: literature only. Allele origin: unknown. Not counted in ClinVar's aggregate classification.

Literature cited by the submitters: PubMed 25135573 (cited by Center for Genomic Medicine, Rigshospitalet, Copenhagen University Hospital); PubMed 30430796 (cited by Center for Genomic Medicine, Rigshospitalet, Copenhagen University Hospital and Quest Diagnostics Nichols Institute San Juan Capistrano); PubMed 17574009 (cited by Center for Genomic Medicine, Rigshospitalet, Copenhagen University Hospital); PubMed 8514853 (cited by 4 submitters); PubMed 26041374 (cited by Center for Genomic Medicine, Rigshospitalet, Copenhagen University Hospital and Quest Diagnostics Nichols Institute San Juan Capistrano); PubMed 8674808 (cited by 3 submitters); PubMed 24174637 (cited by Center for Genomic Medicine, Rigshospitalet, Copenhagen University Hospital and Quest Diagnostics Nichols Institute San Juan Capistrano); PubMed 8496318 (cited by Quest Diagnostics Nichols Institute San Juan Capistrano and OMIM); PubMed 8384535 (cited by Quest Diagnostics Nichols Institute San Juan Capistrano and OMIM); PubMed 8958790 (cited by Quest Diagnostics Nichols Institute San Juan Capistrano and Women's Health and Genetics/Laboratory Corporation of America, LabCorp); PubMed 11518118 (cited by Quest Diagnostics Nichols Institute San Juan Capistrano); PubMed 21871106 (cited by Quest Diagnostics Nichols Institute San Juan Capistrano and Women's Health and Genetics/Laboratory Corporation of America, LabCorp); PubMed 22551329 (cited by Quest Diagnostics Nichols Institute San Juan Capistrano and Women's Health and Genetics/Laboratory Corporation of America, LabCorp); PubMed 25040256 (cited by Quest Diagnostics Nichols Institute San Juan Capistrano and Women's Health and Genetics/Laboratory Corporation of America, LabCorp); PubMed 8889584 (cited by Quest Diagnostics Nichols Institute San Juan Capistrano); PubMed 16804041 (cited by Quest Diagnostics Nichols Institute San Juan Capistrano and OMIM); PubMed 8040303 (cited by Quest Diagnostics Nichols Institute San Juan Capistrano and OMIM); PubMed 1159077 (cited by Quest Diagnostics Nichols Institute San Juan Capistrano and OMIM); PubMed 31341516 (cited by Quest Diagnostics Nichols Institute San Juan Capistrano and Women's Health and Genetics/Laboratory Corporation of America, LabCorp); PubMed 15802373 (cited by Women's Health and Genetics/Laboratory Corporation of America, LabCorp).

NM_001354712.2(THRB):c.1012C>T (p.Arg338Trp)

Gene: THRB (thyroid hormone receptor beta; minus strand). Cytogenetic location: 3p24.2.
Variant type: single nucleotide variant.
Coding change: c.1012C>T on transcript NM_001354712.2 (MANE Select); coding-DNA position 1012, C replaced by T.
Protein change: p.Arg338Trp; replaces arginine 338 with tryptophan.
Molecular consequence: missense variant.
Genome position (GRCh38, 1-based): chr3:24,127,631, G>A on the plus strand (C>T on the coding strand, the complement: THRB is on the minus strand). VCF-style: chr3-24127631-G-A. GRCh37 (hg19) VCF-style: chr3-24169122-G-A.
Other names: c.1012C>T, p.Arg338Trp (NM_000461.5, NM_001128176.3, NM_001128177.2 and 6 more transcripts); c.919C>T, p.Arg307Trp (NM_001354714.2, NM_001354715.2); short protein forms R338W, R307W.
Identifiers: ClinVar variation 12558 (VCV000012558.15), dbSNP rs121918697, ClinGen allele CA122495.